The following is an entry in ClinVar:

ClinVar aggregate classification (germline): Benign. Review status: reviewed by expert panel (3 of 4 stars). 18 submissions from 18 submitters: Benign (1). 17 of the submissions do not count toward it. Last evaluated 2017-04-18.

Conditions:
Large congenital melanocytic nevus (CMNS). Also called: PIGMENTED MOLES; Giant hairy nevus; Bathing trunk nevus; Congenital giant pigmented nevus; MELANOCYTIC NEVUS SYNDROME, CONGENITAL, SOMATIC; Congenital giant melanocytic nevus. Identifiers: Orphanet 626, MedGen C1842036, MONDO:0044792, OMIM 137550, HP:0005600.
Linear nevus sebaceous syndrome. Also called: Linear nevus sebaceous; Nevus, Sebaceous of Jadassohn; JADASSOHN NEVUS PHAKOMATOSIS; NEVUS SEBACEUS OF JADASSOHN; ORGANOID NEVUS PHAKOMATOSIS; SFM SYNDROME. Identifiers: Orphanet 2612, MedGen C4552097, MONDO:0008097, OMIM 163200, HP:0010817.
Thyroid cancer, nonmedullary, 2 (NMTC2). Also called: THYROID CANCER, NONMEDULLARY, 2, SUSCEPTIBILITY TO; Thyroid carcinoma, follicular, somatic; THYROID CARCINOMA, FOLLICULAR. Identifiers: MedGen C4225426, MONDO:0008566, OMIM 188470.
Malignant tumor of urinary bladder. Also called: Bladder cancer; Urinary Bladder Neoplasms; Urinary bladder cancer. Identifiers: MedGen C0005684, MONDO:0001187, OMIM 109800.
Costello syndrome (CSTLO). Also called: HRAS-Related Costello Syndrome; FACIOCUTANEOSKELETAL SYNDROME; FCS SYNDROME. Identifiers: Orphanet 3071, MedGen C0587248, MONDO:0009026, OMIM 218040.
Epidermal nevus. Also called: Nevus, epidermal, somatic; NEVUS, KERATINOCYTIC, NONEPIDERMOLYTIC. Identifiers: Orphanet 79414, MedGen C0334082, MONDO:0008093, OMIM 162900, HP:0010816.
HRAS-related disorder. Also called: HRAS-related condition.
Noonan syndrome and Noonan-related syndrome. Identifiers: Orphanet 98733, MedGen C5681679, MONDO:0020297.
Cardiovascular phenotype. Identifiers: MedGen CN230736.
Hereditary cancer-predisposing syndrome. Also called: Tumor predisposition; Neoplastic Syndromes, Hereditary; Hereditary Cancer Syndrome; Hereditary neoplastic syndrome. Identifiers: Orphanet 140162, MedGen C0027672, MeSH D009386, MONDO:0015356.
RASopathy. Also called: rasopathies; Noonan spectrum disorder. Identifiers: Orphanet 536391, MedGen C5555857, MONDO:0021060.

Allele frequency attached by ClinVar (database versions not stated): 1000 Genomes Project 30x 0.00078; 1000 Genomes Project 0.00080; ExAC 0.00095; gnomAD exomes 0.00105 and 0.00201; ESP Exome Variant Server 0.00108; TOPMed 0.00108; gnomAD 0.00121.
gnomAD v4.1: 3,179 of 1,613,866 alleles (0.2%); highest among the groups gnomAD compares: Non-Finnish European, 0.24%; 8 homozygotes.

Submissions (18):

ClinGen RASopathy Variant Curation Expert Panel
Classification: Benign for Noonan syndrome and Noonan-related syndrome. Last evaluated: 2017-04-18. Review status: reviewed by expert panel. Criteria: ClinGen RASopathy ACMG Specifications v1. Collection method: curation. Allele origin: germline. Inheritance: Autosomal dominant inheritance.
Comment: The filtering allele frequency of the c.357C>T (p.Asp119=) variant in the HRAS gene is 0.129% (102/66416) of European chromosomes by the Exome Aggregation Consortium, which is a high enough frequency to be classified as benign based on thresholds defined by the ClinGen RASopathy Expert Panel (BA1; PMID:29493581)

CeGaT Center for Human Genetics Tuebingen
Classification: Likely benign. Last evaluated: 2026-06-01. Review status: criteria provided, single submitter. Criteria: CeGaT Center For Human Genetics Tuebingen Variant Classification Criteria Version 2. Collection method: clinical testing. Allele origin: germline. Affected: yes. Observed: 22 variant alleles. Not counted in ClinVar's aggregate classification.
Comment: HRAS: BP4, BP7, BS1

Labcorp Genetics (formerly Invitae), Labcorp
Classification: Benign for Costello syndrome. Last evaluated: 2026-01-28. Review status: criteria provided, single submitter. Criteria: Invitae Variant Classification Sherloc (09022015). Collection method: clinical testing. Allele origin: germline. Not counted in ClinVar's aggregate classification.

Dasa
Classification: Benign for Costello syndrome. Last evaluated: 2025-12-03. Review status: criteria provided, single submitter. Criteria: DASA Assertion Criteria. Collection method: clinical testing. Allele origin: germline. Not counted in ClinVar's aggregate classification.
Comment: NM_001318054.2(HRAS):c.38C>T (p.Thr13Ile) is a missense variant that results in the substitution of threonine with isoleucine. Population frequency is inconsistent with a disease-causing role for this variant, and observations in unaffected individuals support a benign interpretation. Computational prediction algorithms are consistent with a benign effect. Therefore, based on the currently available evidence, this variant is classified as benign.

ARUP Laboratories, Molecular Genetics and Genomics, ARUP Laboratories
Classification: Benign. Last evaluated: 2025-05-06. Review status: criteria provided, single submitter. Criteria: ARUP Molecular Germline Variant Investigation Process 2024. Collection method: clinical testing. Allele origin: germline. Not counted in ClinVar's aggregate classification.

Blueprint Genetics
Classification: Benign. Last evaluated: 2024-11-26. Review status: criteria provided, single submitter. Criteria: ACMG Guidelines, 2015. Collection method: clinical testing. Allele origin: germline. Not counted in ClinVar's aggregate classification.

Mayo Clinic Laboratories, Mayo Clinic
Classification: Benign. Last evaluated: 2021-12-27. Review status: criteria provided, single submitter. Criteria: ACMG Guidelines, 2015. Collection method: clinical testing. Allele origin: germline. Observed: 9 variant alleles. Not counted in ClinVar's aggregate classification.
Comment: BS1, BS2, BP4, BP7

Fulgent Genetics
Classification: Likely benign for Malignant tumor of urinary bladder; Large congenital melanocytic nevus; Epidermal nevus; Linear nevus sebaceous syndrome; Thyroid cancer, nonmedullary, 2; Costello syndrome. Last evaluated: 2021-07-26. Review status: criteria provided, single submitter. Criteria: ACMG Guidelines, 2015. Collection method: clinical testing. Allele origin: unknown. Not counted in ClinVar's aggregate classification.

Genome Diagnostics Laboratory, The Hospital for Sick Children
Classification: Benign for Noonan syndrome and Noonan-related syndrome. Last evaluated: 2020-07-01. Review status: criteria provided, single submitter. Criteria: ACMG Guidelines, 2015. Collection method: clinical testing. Allele origin: germline. Not counted in ClinVar's aggregate classification.

Sema4
Classification: Benign for Hereditary cancer-predisposing syndrome. Last evaluated: 2020-02-24. Review status: criteria provided, single submitter. Criteria: Sema4 Curation Guidelines. Collection method: curation. Allele origin: germline. Not counted in ClinVar's aggregate classification.

Ambry Genetics
Classification: Likely benign for Cardiovascular phenotype. Last evaluated: 2019-11-19. Review status: criteria provided, single submitter. Criteria: Ambry Variant Classification Scheme 2023. Collection method: clinical testing. Allele origin: germline. Not counted in ClinVar's aggregate classification.

Eurofins Ntd Llc (ga)
Classification: Benign. Last evaluated: 2016-12-16. Review status: criteria provided, single submitter. Criteria: EGL Classification Definitions 2015. Collection method: clinical testing. Allele origin: germline. Observed: 1 variant allele, 1 heterozygote. Not counted in ClinVar's aggregate classification.

GeneDx
Classification: Benign. Last evaluated: 2015-03-03. Review status: criteria provided, single submitter. Criteria: GeneDx Variant Classification Process June 2021. Collection method: clinical testing. Allele origin: germline. Affected: yes. Not counted in ClinVar's aggregate classification.

Laboratory for Molecular Medicine, Mass General Brigham Personalized Medicine
Classification: Benign. Last evaluated: 2011-08-18. Review status: criteria provided, single submitter. Criteria: LMM Criteria. Collection method: clinical testing. Allele origin: germline. Observed: 13 variant alleles. Not counted in ClinVar's aggregate classification.
Comment: Asp119Asp in exon 4 of HRAS: This variant is not expected to have clinical signi ficance because it has been identified in 8/214(3.7%) chromosomes (rs111352454). In addition, this variant does not alter an amino acid residue and is not loca ted near a splice junction.

PreventionGenetics, part of Exact Sciences
Classification: Benign for HRAS-related condition. Last evaluated: 2019-10-01. Review status: no assertion criteria provided. Collection method: clinical testing. Allele origin: germline. Not counted in ClinVar's aggregate classification.
Comment: This variant is classified as benign based on ACMG/AMP sequence variant interpretation guidelines (Richards et al. 2015 PMID: 25741868, with internal and published modifications).

Clinical Genetics DNA and cytogenetics Diagnostics Lab, Erasmus MC, Erasmus Medical Center
Classification: Likely benign. Review status: no assertion criteria provided. Collection method: clinical testing. Allele origin: germline. Affected: yes. Study: VKGL Data-share Consensus. Not counted in ClinVar's aggregate classification.

Clinical Genetics, Academic Medical Center
Classification: Benign. Review status: no assertion criteria provided. Collection method: clinical testing. Allele origin: germline. Affected: yes. Study: VKGL Data-share Consensus. Not counted in ClinVar's aggregate classification.

Joint Genome Diagnostic Labs from Nijmegen and Maastricht, Radboudumc and MUMC+
Classification: Likely benign. Review status: no assertion criteria provided. Collection method: clinical testing. Allele origin: germline. Affected: yes. Study: VKGL Data-share Consensus. Not counted in ClinVar's aggregate classification.

NM_005343.4(HRAS):c.357C>T (p.Asp119=)

Genes: HRAS (HRas proto-oncogene, GTPase; minus strand), LRRC56 (leucine rich repeat containing 56; plus strand). Cytogenetic location: 11p15.5.
Variant type: single nucleotide variant.
Coding change: c.357C>T on transcript NM_005343.4 (MANE Select); coding-DNA position 357, C replaced by T.
Protein change: p.Asp119=; no amino-acid change (aspartic acid 119 retained).
Molecular consequence: synonymous variant. On other transcripts: missense variant (1).
Genome position (GRCh38, 1-based): chr11:533,546, G>A on the plus strand (C>T on the coding strand, the complement: HRAS is on the minus strand). VCF-style: chr11-533546-G-A. GRCh37 (hg19) VCF-style: chr11-533546-G-A.
Other names: p.D119D; NM_005343.3(HRAS):c.357C>T; p.Asp119Asp; c.357C>T, p.Asp119= (NM_001130442.3, NM_176795.5); c.38C>T, p.Thr13Ile (NM_001318054.2); c.38C>T (NM_001318054.1); short protein forms T13I.
Identifiers: ClinVar variation 40441 (VCV000040441.64), dbSNP rs111352454, ClinGen allele CA135978.
Genomic context (GRCh38, chr11:533,546, plus strand): 5'-GATGCCGTAGCTTCGGGCGAGGTCCTGAGCCTGCCGAGATTCCACAGTGCGTGCAGCCAG[G>A]TCACACTTGTTCCCCACCAGCACCATGGGCACGTCATCCGAGTCCTTCACCCGTTTGATC-3'
Protein context (NP_005334.1, residues 109-129): VPMVLVGNKC[Asp119=]LAARTVESRQ